The following is an entry in ClinVar:

ClinVar aggregate classification (germline): Uncertain significance (1 of 4 stars; one submission).

Conditions:
46,XY sex reversal 6. Also called: 46,XY SEX REVERSAL, PARTIAL OR COMPLETE, MAP3K1-RELATED; 46,XY GONADAL DYSGENESIS, PARTIAL OR COMPLETE, MAP3K1-RELATED. Identifiers: MedGen C3151064, MONDO:0013410, OMIM 613762.

Allele frequency attached by ClinVar (database versions not stated): ExAC 0.00001; gnomAD 0.00001; gnomAD exomes 0.00001; TOPMed 0.00002; ESP Exome Variant Server 0.00017.
gnomAD v4.1: 9 of 1,613,948 alleles (0.00056%); highest among the groups gnomAD compares: Admixed American, 0.012%; no homozygotes.

Submission:

Labcorp Genetics (formerly Invitae), Labcorp
Classification: Uncertain significance for 46,XY sex reversal 6. Last evaluated: 2022-11-03. Review status: criteria provided, single submitter. Criteria: Invitae Variant Classification Sherloc (09022015). Collection method: clinical testing. Allele origin: germline.
Comment: This variant has not been reported in the literature in individuals affected with MAP3K1-related conditions. This variant is present in population databases (rs375363156, gnomAD 0.02%). This sequence change replaces serine, which is neutral and polar, with cysteine, which is neutral and slightly polar, at codon 901 of the MAP3K1 protein (p.Ser901Cys). Advanced modeling of protein sequence and biophysical properties (such as structural, functional, and spatial information, amino acid conservation, physicochemical variation, residue mobility, and thermodynamic stability) performed at Invitae indicates that this missense variant is not expected to disrupt MAP3K1 protein function. In summary, the available evidence is currently insufficient to determine the role of this variant in disease. Therefore, it has been classified as a Variant of Uncertain Significance.

NM_005921.2(MAP3K1):c.2702C>G (p.Ser901Cys)

Gene: MAP3K1 (mitogen-activated protein kinase kinase kinase 1; plus strand). Cytogenetic location: 5q11.2.
Variant type: single nucleotide variant.
Coding change: c.2702C>G on transcript NM_005921.2 (MANE Select); coding-DNA position 2702, C replaced by G.
Protein change: p.Ser901Cys; replaces serine 901 with cysteine.
Molecular consequence: missense variant.
Genome position (GRCh38, 1-based): chr5:56,881,902, C>G. VCF-style: chr5-56881902-C-G. GRCh37 (hg19) VCF-style: chr5-56177729-C-G.
Other names: short protein forms S901C.
Identifiers: ClinVar variation 2728000 (VCV002728000.3), dbSNP rs375363156, ClinGen allele CA3273047.